The following is an entry in ClinVar:

NM_199242.3(UNC13D):c.2174A>G (p.Glu725Gly)

Gene: UNC13D (unc-13 homolog D; minus strand). Cytogenetic location: 17q25.1.
Variant type: single nucleotide variant.
Coding change: c.2174A>G on transcript NM_199242.3 (MANE Select); coding-DNA position 2174, A replaced by G.
Protein change: p.Glu725Gly; replaces glutamic acid 725 with glycine.
Molecular consequence: missense variant.
Genome position (GRCh38, 1-based): chr17:75,834,449, T>C on the plus strand (A>G on the coding strand, the complement: UNC13D is on the minus strand). VCF-style: chr17-75834449-T-C. GRCh37 (hg19) VCF-style: chr17-73830530-T-C.
Other names: short protein forms E725G.
Identifiers: ClinVar variation 578964 (VCV000578964.7), dbSNP rs757899809, ClinGen allele CA8772647.

ClinVar aggregate classification (germline): Uncertain significance. Review status: criteria provided, multiple submitters, no conflicts (2 of 4 stars). 2 submissions from 2 submitters: Uncertain significance (2). Last evaluated 2024-10-23.

Conditions:
Familial hemophagocytic lymphohistiocytosis 3 (FHL3). Also called: UNC13D-Related Familial Hemophagocytic Lymphohistiocytosis (UNC13D-fHLH). Identifiers: Orphanet 540, MedGen C1837174, MONDO:0012146, OMIM 608898.

Allele frequency attached by ClinVar (database versions not stated): ExAC 0.00003; gnomAD exomes 0.00004 and 0.00015; gnomAD 0.00005 and 0.00006; TOPMed 0.00005.
gnomAD v4.1: 218 of 1,564,424 alleles (0.014%); highest among the groups gnomAD compares: Non-Finnish European, 0.018%; no homozygotes.

Submissions (2):

Blueprint Genetics
Classification: Uncertain significance. Last evaluated: 2024-10-23. Review status: criteria provided, single submitter. Criteria: ACMG Guidelines, 2015. Collection method: clinical testing. Allele origin: germline.

Labcorp Genetics (formerly Invitae), Labcorp
Classification: Uncertain significance for Familial hemophagocytic lymphohistiocytosis 3. Last evaluated: 2022-08-31. Review status: criteria provided, single submitter. Criteria: Invitae Variant Classification Sherloc (09022015). Collection method: clinical testing. Allele origin: germline.
Comment: This sequence change replaces glutamic acid, which is acidic and polar, with glycine, which is neutral and non-polar, at codon 725 of the UNC13D protein (p.Glu725Gly). This variant is present in population databases (rs757899809, gnomAD 0.008%). This missense change has been observed in individual(s) with hemophagocytic lymphohistiocytosis (PMID: 21881043). ClinVar contains an entry for this variant (Variation ID: 578964). Algorithms developed to predict the effect of missense changes on protein structure and function are either unavailable or do not agree on the potential impact of this missense change (SIFT: "Not Available"; PolyPhen-2: "Probably Damaging"; Align-GVGD: "Not Available"). In summary, the available evidence is currently insufficient to determine the role of this variant in disease. Therefore, it has been classified as a Variant of Uncertain Significance.

Literature cited by the submitters: PubMed 21881043 (cited by Labcorp Genetics (formerly Invitae), Labcorp).